The following is an entry in ClinVar:

NM_018051.5(DYNC2I1):c.731A>G (p.Lys244Arg)

Gene: DYNC2I1 (dynein 2 intermediate chain 1; plus strand). Cytogenetic location: 7q36.3.
Variant type: single nucleotide variant.
Coding change: c.731A>G on transcript NM_018051.5 (MANE Select); coding-DNA position 731, A replaced by G.
Protein change: p.Lys244Arg; replaces lysine 244 with arginine.
Molecular consequence: missense variant. On other transcripts: 5 prime UTR variant (3).
Genome position (GRCh38, 1-based): chr7:158,879,841, A>G. VCF-style: chr7-158879841-A-G. GRCh37 (hg19) VCF-style: chr7-158672532-A-G.
Other names: c.593A>G, p.Lys198Arg (NM_001350914.2); c.214A>G, p.Lys72Glu (NM_001350915.2); c.-628A>G (NM_001350916.2); c.-636A>G (NM_001350917.2); c.-755A>G (NM_001350918.2); c.731A>G (NM_018051.4); short protein forms K198R, K244R, K72E.
Identifiers: ClinVar variation 1007556 (VCV001007556.6), dbSNP rs755850270, ClinGen allele CA4594382.

ClinVar aggregate classification (germline): Uncertain significance. Review status: criteria provided, multiple submitters, no conflicts (2 of 4 stars). 2 submissions from 2 submitters: Uncertain significance (2). Last evaluated 2023-10-13.

Conditions:
Inborn genetic diseases. Identifiers: MedGen C0950123, MeSH D030342.
Short-rib thoracic dysplasia 8 with or without polydactyly (SRTD8). Also called: SHORT-RIB THORACIC DYSPLASIA 8 WITH POLYDACTYLY. Identifiers: Orphanet 93271, MedGen C3809691, MONDO:0014214, OMIM 615503.

Allele frequency attached by ClinVar (database versions not stated): gnomAD exomes 0.00002; gnomAD 0.00005; TOPMed 0.00002; ExAC 0.00003.
gnomAD v4.1: 31 of 1,613,496 alleles (0.0019%); highest among the groups gnomAD compares: Non-Finnish European, 0.0026%; no homozygotes.

Submissions (2):

Labcorp Genetics (formerly Invitae), Labcorp
Classification: Uncertain significance for Short-rib thoracic dysplasia 8 with or without polydactyly. Last evaluated: 2023-10-13. Review status: criteria provided, single submitter. Criteria: Invitae Variant Classification Sherloc (09022015). Collection method: clinical testing. Allele origin: germline.
Comment: This sequence change replaces lysine, which is basic and polar, with arginine, which is basic and polar, at codon 244 of the WDR60 protein (p.Lys244Arg). This variant is present in population databases (rs755850270, gnomAD 0.003%). This variant has not been reported in the literature in individuals affected with WDR60-related conditions. ClinVar contains an entry for this variant (Variation ID: 1007556). Algorithms developed to predict the effect of missense changes on protein structure and function output the following: SIFT: "Not Available"; PolyPhen-2: "Benign"; Align-GVGD: "Not Available". The arginine amino acid residue is found in multiple mammalian species, which suggests that this missense change does not adversely affect protein function. In summary, the available evidence is currently insufficient to determine the role of this variant in disease. Therefore, it has been classified as a Variant of Uncertain Significance.

Ambry Genetics
Classification: Uncertain significance for Inborn genetic diseases. Last evaluated: 2022-12-28. Review status: criteria provided, single submitter. Criteria: Ambry Variant Classification Scheme 2023. Collection method: clinical testing. Allele origin: germline.